The following is an entry in ClinVar:

ClinVar aggregate classification (germline): Conflicting classifications of pathogenicity. Review status: criteria provided, conflicting classifications (1 of 4 stars). 2 submissions from 2 submitters: Uncertain significance (1); Likely benign (1). Last evaluated 2022-05-03.

Conditions:
Nephronophthisis 9 (NPHP9). Identifiers: Orphanet 655, MedGen C3151188, MONDO:0013444, OMIM 613824.
Renal-hepatic-pancreatic dysplasia 2 (RHPD2). Identifiers: MedGen C3809434, MONDO:0014174, OMIM 615415.

Allele frequency attached by ClinVar (database versions not stated): gnomAD exomes below 0.00001; ExAC 0.00001; TOPMed 0.00001.

Submissions (2):

Labcorp Genetics (formerly Invitae), Labcorp
Classification: Likely benign for Nephronophthisis 9. Last evaluated: 2022-05-03. Review status: criteria provided, single submitter. Criteria: Invitae Variant Classification Sherloc (09022015). Collection method: clinical testing. Allele origin: germline.

Baylor Genetics
Classification: Uncertain significance for Renal-hepatic-pancreatic dysplasia 2. Last evaluated: 2018-06-20. Review status: criteria provided, single submitter. Criteria: ACMG Guidelines, 2015. Collection method: clinical testing. Allele origin: maternal. Affected: yes.
Comment: This variant was determined to be of uncertain significance according to ACMG Guidelines, 2015 [PMID:25741868].

NM_178170.3(NEK8):c.972C>G (p.Pro324=)

Gene: NEK8 (NIMA related kinase 8; plus strand). Cytogenetic location: 17q11.2.
Variant type: single nucleotide variant.
Coding change: c.972C>G on transcript NM_178170.3 (MANE Select); coding-DNA position 972, C replaced by G.
Protein change: p.Pro324=; no amino-acid change (proline 324 retained).
Molecular consequence: synonymous variant.
Genome position (GRCh38, 1-based): chr17:28,737,901, C>G. VCF-style: chr17-28737901-C-G. GRCh37 (hg19) VCF-style: chr17-27064919-C-G.
Identifiers: ClinVar variation 1031754 (VCV001031754.5), dbSNP rs779393817, ClinGen allele CA8467257.